The following is an entry in ClinVar:

ClinVar aggregate classification (germline): Uncertain significance (1 of 4 stars; one submission).

Conditions:
Atypical hemolytic-uremic syndrome. Identifiers: Orphanet 2134, MedGen C2931788, MONDO:0016244.

Submission:

Genomenon, Inc
Classification: Uncertain significance for Atypical hemolytic-uremic syndrome. Last evaluated: 2026-09-17. Review status: criteria provided, single submitter. Criteria: Genomenon Sequence Variant Interpretation Standards - Updated. Collection method: curation. Allele origin: germline. Affected: yes.
Comment: CFB p.Ser351Pro (c.1051T>C) is a missense variant that changes the amino acid at codon 351 from Serine to Proline. This variant has been observed in at least one proband affected with atypical hemolytic-uremic syndrome (PMID:28840254). This variant is located in a mutational hotspot and/or important functional domain. It is absent or not present at a significant frequency in gnomAD. In silico models predict that this variant is not damaging. In conclusion, we classify CFB p.Ser351Pro (c.1051T>C) as a variant of uncertain significance.

Literature cited by the submitters: PubMed 28840254.

NM_001710.6(CFB):c.1051T>C (p.Ser351Pro)

Gene: CFB (complement factor B; plus strand). Cytogenetic location: 6p21.33.
Variant type: single nucleotide variant.
Coding change: c.1051T>C on transcript NM_001710.6 (MANE Select); coding-DNA position 1051, T replaced by C.
Protein change: p.Ser351Pro; replaces serine 351 with proline.
Molecular consequence: missense variant.
Genome position (GRCh38, 1-based): chr6:31,948,844, T>C. VCF-style: chr6-31948844-T-C. GRCh37 (hg19) VCF-style: chr6-31916621-T-C.
Other names: short protein forms S351P.
Identifiers: ClinVar variation 4976835 (VCV004976835.1).